The following is an entry in ClinVar:

ClinVar aggregate classification (germline): Uncertain significance (1 of 4 stars; one submission).

Conditions:
Joubert syndrome. Also called: CEREBELLOPARENCHYMAL DISORDER IV; JOUBERT-BOLTSHAUSER SYNDROME; Familial aplasia of the vermis. Identifiers: Orphanet 475, MedGen C5979921, MONDO:0018772.

Allele frequency attached by ClinVar (database versions not stated): ExAC 0.00001; gnomAD exomes 0.00001.
gnomAD v4.1: 3 of 1,613,882 alleles (0.00019%); highest among the groups gnomAD compares: Admixed American, 0.0033%; no homozygotes.

Submission:

Labcorp Genetics (formerly Invitae), Labcorp
Classification: Uncertain significance for Joubert syndrome. Last evaluated: 2022-08-23. Review status: criteria provided, single submitter. Criteria: Invitae Variant Classification Sherloc (09022015). Collection method: clinical testing. Allele origin: germline.
Comment: This sequence change replaces threonine, which is neutral and polar, with isoleucine, which is neutral and non-polar, at codon 138 of the AHI1 protein (p.Thr138Ile). This variant is present in population databases (rs763491102, gnomAD 0.006%). This variant has not been reported in the literature in individuals affected with AHI1-related conditions. Advanced modeling of protein sequence and biophysical properties (such as structural, functional, and spatial information, amino acid conservation, physicochemical variation, residue mobility, and thermodynamic stability) performed at Invitae indicates that this missense variant is not expected to disrupt AHI1 protein function. In summary, the available evidence is currently insufficient to determine the role of this variant in disease. Therefore, it has been classified as a Variant of Uncertain Significance.

NM_001134831.2(AHI1):c.413C>T (p.Thr138Ile)

Gene: AHI1 (Abelson helper integration site 1; minus strand). Cytogenetic location: 6q23.3.
Variant type: single nucleotide variant.
Coding change: c.413C>T on transcript NM_001134831.2 (MANE Select); coding-DNA position 413, C replaced by T.
Protein change: p.Thr138Ile; replaces threonine 138 with isoleucine.
Molecular consequence: missense variant.
Genome position (GRCh38, 1-based): chr6:135,466,150, G>A on the plus strand (C>T on the coding strand, the complement: AHI1 is on the minus strand). VCF-style: chr6-135466150-G-A. GRCh37 (hg19) VCF-style: chr6-135787288-G-A.
Other names: c.413C>T, p.Thr138Ile (NM_001134830.2, NM_001134832.2, NM_001350503.2 and 2 more transcripts); short protein forms T138I.
Identifiers: ClinVar variation 1896640 (VCV001896640.2), dbSNP rs763491102, ClinGen allele CA4012833.